The following is an entry in ClinVar:

NM_004260.4(RECQL4):c.458A>G (p.Glu153Gly)

Gene: RECQL4 (RecQ like helicase 4; minus strand). Cytogenetic location: 8q24.3.
Variant type: single nucleotide variant.
Coding change: c.458A>G on transcript NM_004260.4 (MANE Select); coding-DNA position 458, A replaced by G.
Protein change: p.Glu153Gly; replaces glutamic acid 153 with glycine.
Molecular consequence: missense variant.
Genome position (GRCh38, 1-based): chr8:144,516,661, T>C on the plus strand (A>G on the coding strand, the complement: RECQL4 is on the minus strand). VCF-style: chr8-144516661-T-C. GRCh37 (hg19) VCF-style: chr8-145742045-T-C.
Other names: short protein forms E153G.
Identifiers: ClinVar variation 843725 (VCV000843725.5), dbSNP rs1815075943, ClinGen allele CA372691411.

ClinVar aggregate classification (germline): Uncertain significance (1 of 4 stars; one submission).

Conditions:
Baller-Gerold syndrome (BGS). Also called: CRANIOSYNOSTOSIS WITH RADIAL DEFECTS. Identifiers: Orphanet 1225, MedGen C0265308, MONDO:0009039, OMIM 218600.

Submission:

Labcorp Genetics (formerly Invitae), Labcorp
Classification: Uncertain significance for Baller-Gerold syndrome. Last evaluated: 2019-11-21. Review status: criteria provided, single submitter. Criteria: Invitae Variant Classification Sherloc (09022015). Collection method: clinical testing. Allele origin: germline.
Comment: In summary, the available evidence is currently insufficient to determine the role of this variant in disease. Therefore, it has been classified as a Variant of Uncertain Significance. Algorithms developed to predict the effect of missense changes on protein structure and function are either unavailable or do not agree on the potential impact of this missense change (SIFT: "Tolerated"; PolyPhen-2: "Not Available"; Align-GVGD: "Class C0"). This variant has not been reported in the literature in individuals with RECQL4-related conditions. This variant is not present in population databases (ExAC no frequency). This sequence change replaces glutamic acid with glycine at codon 153 of the RECQL4 protein (p.Glu153Gly). The glutamic acid residue is moderately conserved and there is a moderate physicochemical difference between glutamic acid and glycine.